The following is an entry in ClinVar:

ClinVar aggregate classification (germline): Conflicting classifications of pathogenicity. Review status: criteria provided, conflicting classifications (1 of 4 stars). 2 submissions from 2 submitters: Uncertain significance (1); Likely benign (1). Last evaluated 2025-06-10.

Conditions:
Familial sleep-related hypermotor epilepsy. Also called: Autosomal Dominant Sleep-Related Hypermotor (Hyperkinetic) Epilepsy. Identifiers: Orphanet 98784, MedGen C3696898, MONDO:0000030.

Allele frequency attached by ClinVar (database versions not stated): gnomAD exomes below 0.00001 and 0.00001; TOPMed below 0.00001; ExAC 0.00001; gnomAD 0.00001.
gnomAD v4.1: 7 of 1,613,888 alleles (0.00043%); highest among the groups gnomAD compares: Non-Finnish European, 0.00025%; no homozygotes.

Submissions (2):

GeneDx
Classification: Uncertain significance. Last evaluated: 2025-06-10. Review status: criteria provided, single submitter. Criteria: GeneDx Variant Classification Process June 2021. Collection method: clinical testing. Allele origin: germline. Affected: yes.
Comment: Not observed at significant frequency in large population cohorts (gnomAD); In silico analysis supports that this missense variant has a deleterious effect on protein structure/function; Has not been previously published as pathogenic or benign to our knowledge

Labcorp Genetics (formerly Invitae), Labcorp
Classification: Likely benign. Last evaluated: 2022-11-08. Review status: criteria provided, single submitter. Criteria: Invitae Variant Classification Sherloc (09022015). Collection method: clinical testing. Allele origin: germline.

NM_000742.4(CHRNA2):c.701T>C (p.Val234Ala)

Gene: CHRNA2 (cholinergic receptor nicotinic alpha 2 subunit; minus strand). Cytogenetic location: 8p21.2.
Variant type: single nucleotide variant.
Coding change: c.701T>C on transcript NM_000742.4 (MANE Select); coding-DNA position 701, T replaced by C.
Protein change: p.Val234Ala; replaces valine 234 with alanine.
Molecular consequence: missense variant.
Genome position (GRCh38, 1-based): chr8:27,463,742, A>G on the plus strand (T>C on the coding strand, the complement: CHRNA2 is on the minus strand). VCF-style: chr8-27463742-A-G. GRCh37 (hg19) VCF-style: chr8-27321259-A-G.
Other names: c.656T>C, p.Val219Ala (NM_001282455.2); c.224T>C, p.Val75Ala (NM_001347705.2, NM_001347706.2); c.107T>C, p.Val36Ala (NM_001347707.2, NM_001347708.2); short protein forms V234A, V75A, V219A, V36A.
Identifiers: ClinVar variation 476994 (VCV000476994.8), dbSNP rs768590131, ClinGen allele CA4689607.